The following is an entry in ClinVar:

NM_002439.5(MSH3):c.2655+3A>G

Gene: MSH3 (mutS homolog 3; plus strand). Cytogenetic location: 5q14.1.
Variant type: single nucleotide variant.
Coding change: c.2655+3A>G on transcript NM_002439.5 (MANE Select); 3 bases into the intron after coding-DNA position 2655, A replaced by G.
Molecular consequence: intron variant.
Genome position (GRCh38, 1-based): chr5:80,792,847, A>G. VCF-style: chr5-80792847-A-G. GRCh37 (hg19) VCF-style: chr5-80088666-A-G.
Identifiers: ClinVar variation 1346866 (VCV001346866.9), dbSNP rs2112026900, ClinGen allele CA2573139922.

ClinVar aggregate classification (germline): Uncertain significance. Review status: criteria provided, multiple submitters, no conflicts (2 of 4 stars). 2 submissions from 2 submitters: Uncertain significance (2). Last evaluated 2025-10-08.

Conditions:
Hereditary cancer-predisposing syndrome. Also called: Hereditary neoplastic syndrome; Tumor predisposition; Neoplastic Syndromes, Hereditary; Hereditary Cancer Syndrome. Identifiers: Orphanet 140162, MedGen C0027672, MeSH D009386, MONDO:0015356.

Submissions (2):

Ambry Genetics
Classification: Uncertain significance for Hereditary cancer-predisposing syndrome. Last evaluated: 2025-10-08. Review status: criteria provided, single submitter. Criteria: Ambry Variant Classification Scheme 2023. Collection method: clinical testing. Allele origin: germline.
Comment: The c.2655+3A>G intronic variant results from an A to G substitution 3 nucleotides after coding exon 19 in the MSH3 gene. This nucleotide position is well conserved in available vertebrate species. In silico splice site analysis predicts that this alteration will not have any significant effect on splicing. Based on the available evidence, the clinical significance of this variant remains unclear.

Labcorp Genetics (formerly Invitae), Labcorp
Classification: Uncertain significance. Last evaluated: 2025-06-25. Review status: criteria provided, single submitter. Criteria: Invitae Variant Classification Sherloc (09022015). Collection method: clinical testing. Allele origin: germline.
Comment: This sequence change falls in intron 19 of the MSH3 gene. It does not directly change the encoded amino acid sequence of the MSH3 protein. It affects a nucleotide within the consensus splice site. This variant is not present in population databases (gnomAD no frequency). This variant has not been reported in the literature in individuals affected with MSH3-related conditions. ClinVar contains an entry for this variant (Variation ID: 1346866). Variants that disrupt the consensus splice site are a relatively common cause of aberrant splicing (PMID: 17576681, 9536098). Algorithms developed to predict the effect of sequence changes on RNA splicing suggest that this variant is not likely to affect RNA splicing. In summary, the available evidence is currently insufficient to determine the role of this variant in disease. Therefore, it has been classified as a Variant of Uncertain Significance.

Literature cited by the submitters: PubMed 17576681 (cited by Labcorp Genetics (formerly Invitae), Labcorp); PubMed 9536098 (cited by Labcorp Genetics (formerly Invitae), Labcorp).